The following is an entry in ClinVar:

ClinVar aggregate classification (germline): Uncertain significance. Review status: criteria provided, multiple submitters, no conflicts (2 of 4 stars). 2 submissions from 2 submitters: Uncertain significance (2). Last evaluated 2026-03-02.

Submissions (2):

GeneDx
Classification: Uncertain significance. Last evaluated: 2026-03-02. Review status: criteria provided, single submitter. Criteria: GeneDx Variant Classification Process June 2021. Collection method: clinical testing. Allele origin: germline.
Comment: Not observed at significant frequency in large population cohorts (gnomAD); In silico analysis supports that this missense variant has a deleterious effect on protein structure/function; Has not been previously published as pathogenic or benign to our knowledge.

Labcorp Genetics (formerly Invitae), Labcorp
Classification: Uncertain significance. Last evaluated: 2024-09-21. Review status: criteria provided, single submitter. Criteria: Invitae Variant Classification Sherloc (09022015). Collection method: clinical testing. Allele origin: germline.
Comment: This sequence change replaces valine, which is neutral and non-polar, with methionine, which is neutral and non-polar, at codon 134 of the RAB11B protein (p.Val134Met). This variant is not present in population databases (gnomAD no frequency). This variant has not been reported in the literature in individuals affected with RAB11B-related conditions. An algorithm developed to predict the effect of missense changes on protein structure and function (PolyPhen-2) suggests that this variant is likely to be disruptive. In summary, the available evidence is currently insufficient to determine the role of this variant in disease. Therefore, it has been classified as a Variant of Uncertain Significance.

NM_004218.4(RAB11B):c.400G>A (p.Val134Met)

Gene: RAB11B (RAB11B, member RAS oncogene family; plus strand). Cytogenetic location: 19p13.2.
Variant type: single nucleotide variant.
Coding change: c.400G>A on transcript NM_004218.4 (MANE Select); coding-DNA position 400, G replaced by A.
Protein change: p.Val134Met; replaces valine 134 with methionine.
Molecular consequence: missense variant.
Genome position (GRCh38, 1-based): chr19:8,402,249, G>A. VCF-style: chr19-8402249-G-A. GRCh37 (hg19) VCF-style: chr19-8467133-G-A.
Other names: c.400G>A (NM_004218.3); short protein forms V134M.
Identifiers: ClinVar variation 3721238 (VCV003721238.3).